The following is an entry in ClinVar:

ClinVar aggregate classification (germline): Benign. Review status: criteria provided, multiple submitters, no conflicts (2 of 4 stars). 2 submissions from 2 submitters: Benign (2). Last evaluated 2026-01-12.

Allele frequency attached by ClinVar (database versions not stated): gnomAD exomes 0.00013 and 0.00030; ExAC 0.00048; gnomAD 0.00126 and 0.00131; ESP Exome Variant Server 0.00154; 1000 Genomes Project 0.00160; TOPMed 0.00170; 1000 Genomes Project 30x 0.00172.
gnomAD v4.1: 387 of 1,610,160 alleles (0.024%); highest among the groups gnomAD compares: African/African-American, 0.48%; 1 homozygote.

Submissions (2):

Labcorp Genetics (formerly Invitae), Labcorp
Classification: Benign. Last evaluated: 2026-01-12. Review status: criteria provided, single submitter. Criteria: Invitae Variant Classification Sherloc (09022015). Collection method: clinical testing. Allele origin: germline.

GeneDx
Classification: Benign. Last evaluated: 2014-06-16. Review status: criteria provided, single submitter. Criteria: GeneDx Variant Classification (06012015). Collection method: clinical testing. Allele origin: germline. Affected: yes.
Comment: This variant is considered likely benign or benign based on one or more of the following criteria: it is a conservative change, it occurs at a poorly conserved position in the protein, it is predicted to be benign by multiple in silico algorithms, and/or has population frequency not consistent with disease.

NM_020117.11(LARS1):c.1504-4T>G

Gene: LARS1 (leucyl-tRNA synthetase 1; minus strand). Cytogenetic location: 5q32.
Variant type: single nucleotide variant.
Coding change: c.1504-4T>G on transcript NM_020117.11 (MANE Select); 4 bases into the intron before coding-DNA position 1504, T replaced by G.
Molecular consequence: intron variant.
Genome position (GRCh38, 1-based): chr5:146,144,713, A>C on the plus strand (T>G on the coding strand, the complement: LARS1 is on the minus strand). VCF-style: chr5-146144713-A-C. GRCh37 (hg19) VCF-style: chr5-145524276-A-C.
Other names: c.1342-4T>G (NM_001317965.2); c.1423-4T>G (NM_016460.4); c.1366-4T>G (NM_001317964.2).
Identifiers: ClinVar variation 214558 (VCV000214558.9), dbSNP rs59700447, ClinGen allele CA321496.